The following is an entry in ClinVar:

NM_001378120.1(MBD5):c.4135G>C (p.Gly1379Arg)

Gene: MBD5 (methyl-CpG binding domain protein 5; plus strand). Cytogenetic location: 2q23.1.
Variant type: single nucleotide variant.
Coding change: c.4135G>C on transcript NM_001378120.1 (MANE Select); coding-DNA position 4135, G replaced by C.
Protein change: p.Gly1379Arg; replaces glycine 1379 with arginine.
Molecular consequence: missense variant.
Genome position (GRCh38, 1-based): chr2:148,489,767, G>C. VCF-style: chr2-148489767-G-C. GRCh37 (hg19) VCF-style: chr2-149247336-G-C.
Other names: c.3436G>C, p.Gly1146Arg (NM_018328.5); short protein forms G1146R, G1379R.
Identifiers: ClinVar variation 582474 (VCV000582474.9), dbSNP rs1559098890, ClinGen allele CA348728095.
Genomic context (GRCh38, chr2:148,489,767, plus strand): 5'-TTCACTGCCTCAATTGGTGACCCATTAAATCTCTCCAGTGCTGTCAGTGCGGTCATTCAT[G>C]GACGGAACATGGGAGGTGTTGATCATGATGGTAGGCTGAGGAATTCAAGAGGGGCTCGGC-3'
Protein context (NP_001365049.1, residues 1369-1389): LSSAVSAVIH[Gly1379Arg]RNMGGVDHDG

ClinVar aggregate classification (germline): Uncertain significance (1 of 4 stars; one submission).

Conditions:
Intellectual developmental disorder, autosomal dominant 1. Also called: Intellectual disability, autosomal dominant 1; MBD5 Haploinsufficiency. Identifiers: Orphanet 228402, MedGen C1969562, MONDO:0007974, OMIM 156200.

Allele frequency attached by ClinVar (database versions not stated): gnomAD exomes below 0.00001.
gnomAD v4.1: 1 of 1,614,148 alleles (0.000062%); highest among the groups gnomAD compares: Non-Finnish European, 0.000085%; no homozygotes.

Submission:

Labcorp Genetics (formerly Invitae), Labcorp
Classification: Uncertain significance for Intellectual developmental disorder, autosomal dominant 1. Last evaluated: 2024-08-05. Review status: criteria provided, single submitter. Criteria: Invitae Variant Classification Sherloc (09022015). Collection method: clinical testing. Allele origin: germline.
Comment: This sequence change replaces glycine, which is neutral and non-polar, with arginine, which is basic and polar, at codon 1146 of the MBD5 protein (p.Gly1146Arg). This variant is not present in population databases (gnomAD no frequency). This variant has not been reported in the literature in individuals affected with MBD5-related conditions. ClinVar contains an entry for this variant (Variation ID: 582474). Experimental studies and prediction algorithms are not available or were not evaluated, and the functional significance of this variant is currently unknown. In summary, the available evidence is currently insufficient to determine the role of this variant in disease. Therefore, it has been classified as a Variant of Uncertain Significance.